The following is an entry in ClinVar:

ClinVar aggregate classification (germline): Pathogenic (1 of 4 stars; one submission).

Conditions:
Achondrogenesis, type IA (ACG1A). Identifiers: Orphanet 932, Orphanet 93299, MedGen C0265273, MONDO:0008701, OMIM 200600.

Submission:

Labcorp Genetics (formerly Invitae), Labcorp
Classification: Pathogenic for Achondrogenesis, type IA. Last evaluated: 2025-07-28. Review status: criteria provided, single submitter. Criteria: Invitae Variant Classification Sherloc (09022015). Collection method: clinical testing. Allele origin: germline.
Comment: This sequence change creates a premature translational stop signal (p.Glu1478Ilefs*8) in the TRIP11 gene. It is expected to result in an absent or disrupted protein product. Loss-of-function variants in TRIP11 are known to be pathogenic (PMID: 20089971, 23956106). This variant is not present in population databases (gnomAD no frequency). This variant has not been reported in the literature in individuals affected with TRIP11-related conditions. ClinVar contains an entry for this variant (Variation ID: 2904253). Algorithms developed to predict the effect of sequence changes on RNA splicing suggest that this variant may disrupt the consensus splice site. For these reasons, this variant has been classified as Pathogenic.

Literature cited by the submitters: PubMed 20089971; PubMed 23956106.

NM_004239.4(TRIP11):c.4432_4433del (p.Glu1478fs)

Gene: TRIP11 (thyroid hormone receptor interactor 11; minus strand). Cytogenetic location: 14q32.12.
Variant type: Deletion.
Coding change: c.4432_4433del on transcript NM_004239.4 (MANE Select); coding-DNA positions 4432 to 4433, 2 bases deleted (GA; older notation c.4432_4433delGA).
Protein change: p.Glu1478fs; shifts the reading frame from glutamic acid 1478.
Molecular consequence: frameshift variant.
Genome position (GRCh38, 1-based): chr14:92,003,543-92,003,544, TC deleted on the plus strand (GA on the coding strand, the reverse complement: TRIP11 is on the minus strand); deleting any 2 consecutive bases within chr14:92,003,543-92,003,545 gives the same sequence; the c. name uses the placement nearest the transcript's 3' end. VCF-style (leftmost placement, unchanged base first): chr14-92003542-TTC-T. GRCh37 (hg19) VCF-style: chr14-92469886-TTC-T.
Other names: c.4429_4430del, p.Glu1477fs (NM_001321851.1); short protein forms E1478fs, E1477fs.
Identifiers: ClinVar variation 2904253 (VCV002904253.3), dbSNP rs1366285612, ClinGen allele CA709912588.